The following is an entry in ClinVar:

NM_001134407.3(GRIN2A):c.420G>A (p.Pro140=)

Gene: GRIN2A (glutamate ionotropic receptor NMDA type subunit 2A; minus strand). Cytogenetic location: 16p13.2.
Variant type: single nucleotide variant.
Coding change: c.420G>A on transcript NM_001134407.3 (MANE Select); coding-DNA position 420, G replaced by A.
Protein change: p.Pro140=; no amino-acid change (proline 140 retained).
Molecular consequence: synonymous variant.
Genome position (GRCh38, 1-based): chr16:9,938,546, C>T on the plus strand (G>A on the coding strand, the complement: GRIN2A is on the minus strand). VCF-style: chr16-9938546-C-T. GRCh37 (hg19) VCF-style: chr16-10032403-C-T.
Other names: c.420G>A, p.Pro140= (NM_000833.5, NM_001134408.2).
Identifiers: ClinVar variation 98455 (VCV000098455.45), dbSNP rs367543126, ClinGen allele CA225861.

ClinVar aggregate classification (germline): Likely benign. Review status: criteria provided, multiple submitters, no conflicts (2 of 4 stars). 6 submissions from 6 submitters: Likely benign (5). 1 of the submissions does not count toward it. Last evaluated 2026-07-01.

Conditions:
Inborn genetic diseases. Identifiers: MedGen C0950123, MeSH D030342.
Landau-Kleffner syndrome (FESD). Also called: APHASIA, ACQUIRED, WITH EPILEPSY; EPILEPSY, FOCAL, WITH SPEECH DISORDER AND WITH OR WITHOUT MENTAL RETARDATION. Identifiers: Orphanet 1945, Orphanet 725, Orphanet 98818, MedGen C0282512, MONDO:0009509, OMIM 245570.

Allele frequency attached by ClinVar (database versions not stated): TOPMed 0.00017.
gnomAD v4.1: 40 of 1,602,522 alleles (0.0025%); highest among the groups gnomAD compares: Admixed American, 0.01%; no homozygotes.

Submissions (6):

CeGaT Center for Human Genetics Tuebingen
Classification: Likely benign. Last evaluated: 2026-07-01. Review status: criteria provided, single submitter. Criteria: CeGaT Center For Human Genetics Tuebingen Variant Classification Criteria Version 2. Collection method: clinical testing. Allele origin: germline. Affected: yes. Observed: 1 variant allele.
Comment: GRIN2A: BP4, BP7

Labcorp Genetics (formerly Invitae), Labcorp
Classification: Likely benign for Landau-Kleffner syndrome. Last evaluated: 2026-02-03. Review status: criteria provided, single submitter. Criteria: Invitae Variant Classification Sherloc (09022015). Collection method: clinical testing. Allele origin: germline.

Blueprint Genetics
Classification: Likely benign. Last evaluated: 2024-06-05. Review status: criteria provided, single submitter. Criteria: ACMG Guidelines, 2015. Collection method: clinical testing. Allele origin: germline.

Ambry Genetics
Classification: Likely benign for Inborn genetic diseases. Last evaluated: 2016-05-18. Review status: criteria provided, single submitter. Criteria: Ambry Variant Classification Scheme 2023. Collection method: clinical testing. Allele origin: germline.

Genetic Services Laboratory, University of Chicago
Classification: Likely benign. Last evaluated: 2016-01-11. Review status: criteria provided, single submitter. Criteria: ACMG Guidelines, 2015. Collection method: clinical testing. Allele origin: germline. Affected: no.

Psychiatry Genetics Yale University
No classification provided. Review status: no classification provided. Collection method: not provided. Allele origin: not provided. Not counted in ClinVar's aggregate classification.